The following is an entry in ClinVar:

NM_006017.3(PROM1):c.1945T>C (p.Ser649Pro)

Gene: PROM1 (prominin 1; minus strand). Cytogenetic location: 4p15.32.
Variant type: single nucleotide variant.
Coding change: c.1945T>C on transcript NM_006017.3 (MANE Select); coding-DNA position 1945, T replaced by C.
Protein change: p.Ser649Pro; replaces serine 649 with proline.
Molecular consequence: missense variant.
Genome position (GRCh38, 1-based): chr4:15,991,260, A>G on the plus strand (T>C on the coding strand, the complement: PROM1 is on the minus strand). VCF-style: chr4-15991260-A-G. GRCh37 (hg19) VCF-style: chr4-15992883-A-G.
Other names: c.1918T>C, p.Ser640Pro (NM_001145847.2, NM_001145848.2, NM_001145851.2 and 4 more transcripts); c.1945T>C, p.Ser649Pro (NM_001145849.2, NM_001145850.2); short protein forms S649P, S640P.
Identifiers: ClinVar variation 938961 (VCV000938961.10), dbSNP rs199641781, ClinGen allele CA2866578.

ClinVar aggregate classification (germline): Uncertain significance. Review status: criteria provided, multiple submitters, no conflicts (2 of 4 stars). 3 submissions from 3 submitters: Uncertain significance (3). Last evaluated 2025-09-25.

Conditions:
PROM1-related disorder. Also called: PROM1-related disorders; PROM1-related condition.

Allele frequency attached by ClinVar (database versions not stated): ExAC 0.00002; gnomAD exomes 0.00002 and 0.00003; 1000 Genomes Project 30x 0.00016; ESP Exome Variant Server 0.00017; gnomAD 0.00019; TOPMed 0.00019; 1000 Genomes Project 0.00020.
gnomAD v4.1: 51 of 1,607,870 alleles (0.0032%); highest among the groups gnomAD compares: African/African-American, 0.066%; no homozygotes.

Submissions (3):

Labcorp Genetics (formerly Invitae), Labcorp
Classification: Uncertain significance. Last evaluated: 2025-09-25. Review status: criteria provided, single submitter. Criteria: Invitae Variant Classification Sherloc (09022015). Collection method: clinical testing. Allele origin: germline.
Comment: This sequence change replaces serine, which is neutral and polar, with proline, which is neutral and non-polar, at codon 649 of the PROM1 protein (p.Ser649Pro). This variant is present in population databases (rs199641781, gnomAD 0.04%). This variant has not been reported in the literature in individuals affected with PROM1-related conditions. ClinVar contains an entry for this variant (Variation ID: 938961). Invitae Evidence Modeling of protein sequence and biophysical properties (such as structural, functional, and spatial information, amino acid conservation, physicochemical variation, residue mobility, and thermodynamic stability) indicates that this missense variant is expected to disrupt PROM1 protein function with a positive predictive value of 80%. In summary, the available evidence is currently insufficient to determine the role of this variant in disease. Therefore, it has been classified as a Variant of Uncertain Significance.

PreventionGenetics, part of Exact Sciences
Classification: Uncertain significance for PROM1-related condition. Last evaluated: 2024-11-14. Review status: criteria provided, single submitter. Criteria: ACMG Guidelines, 2015. Collection method: clinical testing. Allele origin: germline.
Comment: The PROM1 c.1945T>C variant is predicted to result in the amino acid substitution p.Ser649Pro. To our knowledge, this variant has not been reported in the literature. This variant is reported in 0.046% of alleles in individuals of African descent in gnomAD. A different variant at the same amino acid position, c.1946C>T, p.(Ser649Leu), has been reported in individuals with cone-rod dystrophy (for example, Table S2, Weisschuh et al. 2020. PubMed ID: 32531858; Table S1, Yohe et al. 2019. PubMed ID: 31816670; Table S1, Lin et al. 2024. PubMed ID: 38219857). At this time, the clinical significance of this c.1945T>C, p.(Ser649Pro) variant is uncertain due to the absence of conclusive functional and genetic evidence.

Blueprint Genetics
Classification: Uncertain significance. Last evaluated: 2022-09-29. Review status: criteria provided, single submitter. Criteria: ACMG Guidelines, 2015. Collection method: clinical testing. Allele origin: germline.